The following is an entry in ClinVar:

NM_001365999.1(SZT2):c.1160G>A (p.Arg387Gln)

Gene: SZT2 (SZT2 subunit of KICSTOR complex; plus strand). Cytogenetic location: 1p34.2.
Variant type: single nucleotide variant.
Coding change: c.1160G>A on transcript NM_001365999.1 (MANE Select); coding-DNA position 1160, G replaced by A.
Protein change: p.Arg387Gln; replaces arginine 387 with glutamine.
Molecular consequence: missense variant.
Genome position (GRCh38, 1-based): chr1:43,420,222, G>A. VCF-style: chr1-43420222-G-A. GRCh37 (hg19) VCF-style: chr1-43885893-G-A.
Other names: c.1160G>A, p.Arg387Gln (NM_015284.4); short protein forms R387Q.
Identifiers: ClinVar variation 3252528 (VCV003252528.1), dbSNP rs749794832.

ClinVar aggregate classification (germline): Uncertain significance (1 of 4 stars; one submission).

Allele frequency attached by ClinVar (database versions not stated): gnomAD exomes 0.00001; ExAC 0.00002.
gnomAD v4.1: 6 of 1,598,454 alleles (0.00038%); highest among the groups gnomAD compares: African/African-American, 0.0013%; no homozygotes.

Submission:

GeneDx
Classification: Uncertain significance. Last evaluated: 2024-07-01. Review status: criteria provided, single submitter. Criteria: GeneDx Variant Classification Process June 2021. Collection method: clinical testing. Allele origin: germline. Affected: yes.
Comment: Not observed at significant frequency in large population cohorts (gnomAD); In silico analysis indicates that this missense variant does not alter protein structure/function; Has not been previously published as pathogenic or benign to our knowledge